The following is an entry in ClinVar:

NM_001375524.1(TRRAP):c.10051C>T (p.Leu3351Phe)

Gene: TRRAP (transformation/transcription domain associated protein; plus strand). Cytogenetic location: 7q22.1.
Variant type: single nucleotide variant.
Coding change: c.10051C>T on transcript NM_001375524.1 (MANE Select); coding-DNA position 10051, C replaced by T.
Protein change: p.Leu3351Phe; replaces leucine 3351 with phenylalanine.
Molecular consequence: missense variant.
Genome position (GRCh38, 1-based): chr7:98,994,590, C>T. VCF-style: chr7-98994590-C-T. GRCh37 (hg19) VCF-style: chr7-98592213-C-T.
Other names: c.10009C>T, p.Leu3337Phe (NM_001244580.2); c.9922C>T, p.Leu3308Phe (NM_003496.4); short protein forms L3308F, L3337F, L3351F.
Identifiers: ClinVar variation 1699497 (VCV001699497.3), dbSNP rs2116814869, ClinGen allele CA368332128.
Genomic context (GRCh38, chr7:98,994,590, plus strand): 5'-GCTGGTTCTGGAGTGGAGGGCTGTGTTTGTCAGTTGTCTCTGGCTCTTTTCTACCAGGTT[C>T]TCAGGCAGCTCCAACAGGGCCTGGCGAAATGTTACTCCGTGGCGTTTGAGAAAAGTGGAG-3'
Protein context (NP_001362453.1, residues 3341-3361): WFRENWHEEV[Leu3351Phe]RQLQQGLAKC

ClinVar aggregate classification (germline): Uncertain significance (1 of 4 stars; one submission).

Conditions:
Developmental delay with or without dysmorphic facies and autism. Identifiers: MedGen C5193106, MONDO:0032760, OMIM 618454.

Allele frequency attached by ClinVar (database versions not stated): gnomAD exomes 0.00001.
gnomAD v4.1: 15 of 1,614,054 alleles (0.00093%); highest among the groups gnomAD compares: Non-Finnish European, 0.0013%; no homozygotes.

Submission:

Victorian Clinical Genetics Services, Murdoch Childrens Research Institute
Classification: Uncertain significance for Developmental delay with or without dysmorphic facies and autism. Last evaluated: 2022-02-02. Review status: criteria provided, single submitter. Criteria: ACMG Guidelines, 2015. Collection method: clinical testing. Allele origin: germline. Inheritance: Autosomal dominant inheritance. Affected: yes.
Comment: Based on the classification scheme VCGS_Germline_v1.3.4, this variant is classified as VUS-3A. Following criteria are met: 0105 - The mechanism of disease for this gene is not clearly established. (I) 0107 - This gene is associated with autosomal dominant disease. (I) 0200 - Variant is predicted to result in a missense amino acid change from leucine to phenylalanine. (I) 0251 - This variant is heterozygous. (I) 0301 - Variant is absent from gnomAD (both v2 and v3). (SP) 0502 - Missense variant with conflicting in silico predictions and uninformative conservation. (I) 0603 - Missense variant in a region that is highly intolerant to missense variation (high constraint region in DECIPHER). (SP) 0705 - No comparable missense variants have previous evidence for pathogenicity. (I) 0807 - This variant has no previous evidence of pathogenicity. (I) 0905 - No published segregation evidence has been identified for this variant. (I) 1007 - No published functional evidence has been identified for this variant. (I) 1208 - Inheritance information for this variant is not currently available in this individual. (I) Legend: (SP) - Supporting pathogenic, (I) - Information, (SB) - Supporting benign